The following is an entry in ClinVar:

NM_000256.3(MYBPC3):c.1591G>C (p.Gly531Arg)

Gene: MYBPC3 (myosin binding protein C3; minus strand). Cytogenetic location: 11p11.2.
Variant type: single nucleotide variant.
Coding change: c.1591G>C on transcript NM_000256.3 (MANE Select); coding-DNA position 1591, G replaced by C.
Protein change: p.Gly531Arg; replaces glycine 531 with arginine.
Molecular consequence: missense variant.
Genome position (GRCh38, 1-based): chr11:47,342,611, C>G on the plus strand (G>C on the coding strand, the complement: MYBPC3 is on the minus strand). VCF-style: chr11-47342611-C-G. GRCh37 (hg19) VCF-style: chr11-47364162-C-G.
Other names: short protein forms G531R.
Identifiers: ClinVar variation 42550 (VCV000042550.88), dbSNP rs397515912, ClinGen allele CA010681.

ClinVar aggregate classification (germline): Conflicting classifications of pathogenicity. Review status: criteria provided, conflicting classifications (1 of 4 stars). 22 submissions from 22 submitters: Pathogenic (4); Likely pathogenic (17); Uncertain significance (1). Last evaluated 2026-06-01.

Conditions:
MYBPC3-related disorder. Also called: MYBPC3-related disorders; MYBPC3-related condition; MYBPC3-related disease.
Cardiovascular phenotype. Identifiers: MedGen CN230736.
Hypertrophic cardiomyopathy 4. Also called: Familial hypertrophic cardiomyopathy 4. Identifiers: MedGen C1861862, MONDO:0007268, OMIM 115197.
Left ventricular noncompaction 10 (LVNC10). Identifiers: Orphanet 154, Orphanet 54260, MedGen C3715165, MONDO:0014163, OMIM 615396.
Cardiomyopathy (CMYO). Also called: Cardiomyopathies. Identifiers: Orphanet 167848, MedGen C0878544, MONDO:0004994, HP:0001638. Inheritance: Various modes of inheritance.
Primary familial hypertrophic cardiomyopathy (HCM). Identifiers: Orphanet 99739, MedGen C0949658, MeSH D024741, MONDO:0024573. Inheritance: Various modes of inheritance.
Hypertrophic cardiomyopathy. Also called: HYPERTROPHIC MYOCARDIOPATHY. Identifiers: Orphanet 217569, MedGen C0007194, MeSH D002312, MONDO:0005045, HP:0001639.

Allele frequency attached by ClinVar (database versions not stated): TOPMed 0.00003; gnomAD 0.00006; 1000 Genomes Project 30x 0.00016; 1000 Genomes Project 0.00020.

Submissions 1 to 6 of 22:

CeGaT Center for Human Genetics Tuebingen
Classification: Likely pathogenic. Last evaluated: 2026-06-01. Review status: criteria provided, single submitter. Criteria: CeGaT Center For Human Genetics Tuebingen Variant Classification Criteria Version 2. Collection method: clinical testing. Allele origin: germline. Affected: yes. Observed: 4 variant alleles.
Comment: MYBPC3: PS1, PS4, PS3:Supporting

Women's Health and Genetics/Laboratory Corporation of America, LabCorp
Classification: Likely pathogenic for Primary familial hypertrophic cardiomyopathy. Last evaluated: 2025-12-12. Review status: criteria provided, single submitter. Criteria: LabCorp Variant Classification Summary - May 2015. Collection method: clinical testing. Allele origin: germline.
Comment: Variant summary: MYBPC3 c.1591G>C (p.Gly531Arg) results in a non-conservative amino acid change located in the Immunoglobulin subtype 2 domain (IPR003598) of the encoded protein sequence. Algorithms developed to predict the effect of missense changes on protein structure and function all suggest that this variant is likely to be disruptive. The variant allele was found at a frequency of 1.2e-05 in 247086 control chromosomes. c.1591G>C has been observed in individual(s) affected with Hypertrophic Cardiomyopathy (e.g. Girolami_2006, Olivotto_2011, Coppini_2014, Rubattu_2016, Ho_2018, Bagnall_2022, Kurzlechner_2022, Preveden_2022, Mazzaccara_2022, Hagge_2024). These data indicate that the variant is likely to be associated with disease. At least one publication reports experimental evidence evaluating an impact on protein function by measuring contraction forces in an engineered heart tissue assay from MYBPC3-knock out mice. Human wild-type and variant MYBPC3 was transduced into the engineered heart tissue and contraction was assayed at varying Ca2+ levels. The variant failed to rescue the hypercontractile phenotype seen in non-transduced (MYBPC3 null) samples, when expressed either alone or jointly with wild-type MYBPC3, demonstrating the variant may also act in a dominant-negative manner (Wijnker_2016). The following publications have been ascertained in the context of this evaluation (PMID: 36252119, 25524337, 16858239, 39260623, 30297972, 35629155, 36291626, 21835320, 35208637, 27483260, 27108529). ClinVar contains an entry for this variant (Variation ID: 42550). Based on the evidence outlined above, the variant was classified as likely pathogenic.

Variantyx, Inc.
Classification: Likely pathogenic for Hypertrophic cardiomyopathy 4. Last evaluated: 2025-12-03. Review status: criteria provided, single submitter. Criteria: Variantyx Assertion Criteria 2022. Collection method: clinical testing. Allele origin: germline. Inheritance: Autosomal dominant inheritance.
Comment: This is a nonsynonymous variant in the MYBPC3 gene (OMIM: 600958). Pathogenic variants in this gene have been associated with autosomal dominant hypertrophic cardiomyopathy 4. This variant has been reported in at least 4 unrelated affected individuals (PMID: 16858239, 21835320, 35753512, 36252119). Functional studies have shown that this variant alters MYBPC3 protein function (PMID: 27108529) (PS3_Moderate), and mulltiple computational algorithms predict a deleterious effect for this variant (REVEL score: 0.854) (PP3). Furthermore, an alternate nucleotide substitution resulting in the same amino acid change (c.1591G>A) has been previously reported as pathogenic (PMID: 27108529) (PS1). This variant has a 0.0033% maximum allele frequency in non-founder control populations (PM2). Based on the current evidence, this variant is classified as likely pathogenic for autosomal dominant hypertrophic cardiomyopathy 4.

Labcorp Genetics (formerly Invitae), Labcorp
Classification: Likely pathogenic for Hypertrophic cardiomyopathy. Last evaluated: 2025-11-03. Review status: criteria provided, single submitter. Criteria: Invitae Variant Classification Sherloc (09022015). Collection method: clinical testing. Allele origin: germline.
Comment: This sequence change replaces glycine, which is neutral and non-polar, with arginine, which is basic and polar, at codon 531 of the MYBPC3 protein (p.Gly531Arg). This variant is present in population databases (rs397515912, gnomAD 0.004%). This missense change has been observed in individuals with hypertrophic cardiomyopathy (PMID: 18533079, 20624503, 21750094, 23508784, 24793961, 25524337, 27483260, 27532257, 27600940, 28356264, 30297972). ClinVar contains an entry for this variant (Variation ID: 42550). An algorithm developed to predict the effect of missense changes on protein structure and function (PolyPhen-2) suggests that this variant is likely to be disruptive. In summary, the currently available evidence indicates that the variant is pathogenic, but additional data are needed to prove that conclusively. Therefore, this variant has been classified as Likely Pathogenic.

GeneDx
Classification: Likely pathogenic. Last evaluated: 2025-10-30. Review status: criteria provided, single submitter. Criteria: GeneDx Variant Classification Process June 2021. Collection method: clinical testing. Allele origin: germline. Affected: yes.
Comment: Identified in patients with cardiomyopathy referred for genetic testing at GeneDx and in published literature, although clinical details were often limited (PMID: 21835320, 25351510, 27483260, 27532257, 22765922, 16858239, 32841044, 35208637, 36291626, 20624503, 36252119, 36264615, 37652022); Not observed at significant frequency in large population cohorts (gnomAD); Functional studies examining the effect of c.1591 G>C in mouse-derived engineered heart tissue demonstrated that tissue expressing the variant is associated with a hypercontractile phenotype compared to wild type cardiac tissue (PMID: 27108529); In silico analysis supports that this missense variant has a deleterious effect on protein structure/function; This variant is associated with the following publications: (PMID: 28241245, 25351510, 23690394, 19150014, 27532257, 23508784, 27483260, 28193612, 16858239, 22765922, 21835320, 28798025, 34426522, 32841044, 35208637, 35753512, 35433691, 36291626, 35130036, 20624503, 36264615, 36252119, 37652022, 36243179, 39486665, 40679974, 40970488, 27108529)

Color Diagnostics, LLC DBA Color Health
Classification: Likely pathogenic for Cardiomyopathy. Last evaluated: 2025-07-01. Review status: criteria provided, single submitter. Criteria: ACMG Guidelines, 2015. Collection method: clinical testing. Allele origin: germline.
Comment: This missense variant replaces glycine with arginine at codon 531 of the MYBPC3 protein. Computational prediction suggests that this variant may have a deleterious impact on protein structure and function. In heart tissue engineered from mouse cardiac cells, this variant in heterozygous state was associated with a hypercontractile phenotype (PMID: 27108529). This variant has been reported in over ten unrelated individuals affected with hypertrophic cardiomyopathy (PMID: 16858239, 18533079, 20173211, 20624503, 21835320, 23508784, 23690394, 27483260, 27532257, 27600940, 28193612, 28241245, 28986452, 31941943, 32228044, 32369506, 36252119, 36291626). Three of these individuals carried a second pathogenic variant either in the same gene (PMID: 20624503) or in another gene (PMID: 32228044, 36252119). This variant has also been reported in an individual affected with left ventricular non-compaction (PMID: 28798025). This variant has been identified in 5/278462 chromosomes in the general population by the Genome Aggregation Database (gnomAD). A different variant causing the same amino acid change, c.1591G>A p.Gly531Arg, is also considered to be disease-causing (ClinVar variation ID: 164109). In summary, this variant has shown a relevant phenotype in an experimental study and has been observed in multiple individuals affected with hypertrophic cardiomyopathy. Based on available evidence, this variant is classified as Likely Pathogenic.